The following is an entry in ClinVar:

NM_173689.7(CRB2):c.3145del (p.Ala1049fs)

Gene: CRB2 (crumbs cell polarity complex component 2; plus strand). Cytogenetic location: 9q33.3.
Variant type: Deletion.
Coding change: c.3145del on transcript NM_173689.7 (MANE Select); coding-DNA position 3145, one base deleted (G; older notation c.3145delG).
Protein change: p.Ala1049fs; shifts the reading frame from alanine 1049.
Molecular consequence: frameshift variant. On other transcripts: non-coding transcript variant (1).
Genome position (GRCh38, 1-based): chr9:123,373,676, G deleted; the last of 2 consecutive G bases (chr9:123,373,675-123,373,676); deleting either gives the same sequence. VCF-style (leftmost placement, unchanged base first): chr9-123373674-CG-C. GRCh37 (hg19) VCF-style: chr9-126135953-CG-C.
Other names: short protein forms A1049fs.
Identifiers: ClinVar variation 3348771 (VCV003348771.1).
Genomic context (GRCh38, chr9:123,373,674, plus strand): 5'-GGCCCCGGCCCGGCGCGGCCCCTGGCGCCCGAGAGCACTTCGCGTCTTGGCCTGGGACGC[CG>C]GCCCCGATCCTCGGCTGCCGCGGCGCGCCCGTGTGTGCGCCCTCGCCCTGTCTGCACGAC-3'

ClinVar aggregate classification (germline): Pathogenic (0 of 4 stars; one submission).

Conditions:
CRB2-related disorder. Also called: CRB2-related disorders; CRB2-related condition.

Submission:

PreventionGenetics, part of Exact Sciences
Classification: Pathogenic for CRB2-related condition. Last evaluated: 2024-03-20. Review status: no assertion criteria provided. Collection method: clinical testing. Allele origin: germline.
Comment: The CRB2 c.3145delG variant is predicted to result in a frameshift and premature protein termination (p.Ala1049Profs*92). To our knowledge, this variant has not been reported in the literature or in a large population database, indicating this variant is rare. Frameshift variants in CRB2 are expected to be pathogenic. This variant is interpreted as pathogenic.